The following is an entry in ClinVar:

ClinVar aggregate classification (germline): Likely pathogenic (0 of 4 stars; one submission).

Conditions:
C1S-related disorder. Also called: C1S-related condition.

Submission:

PreventionGenetics, part of Exact Sciences
Classification: Likely pathogenic for C1S-related condition. Last evaluated: 2024-01-29. Review status: no assertion criteria provided. Collection method: clinical testing. Allele origin: germline.
Comment: The C1S c.1194_1195dupTG variant is predicted to result in a frameshift and premature protein termination (p.Gly399Valfs*13). To our knowledge, this variant has not been reported in the literature or in a large population database, indicating this variant is rare. Frameshift variants in C1S are expected to be pathogenic. This variant is interpreted as likely pathogenic.

NM_001734.5(C1S):c.1194_1195dup (p.Gly399fs)

Gene: C1S (complement C1s; plus strand). Cytogenetic location: 12p13.31.
Variant type: Duplication.
Coding change: c.1194_1195dup on transcript NM_001734.5 (MANE Select); coding-DNA positions 1194 to 1195, 2 bases duplicated (TG; older notation c.1194_1195dupTG).
Protein change: p.Gly399fs; shifts the reading frame from glycine 399.
Molecular consequence: frameshift variant.
Genome position (GRCh38, 1-based): chr12:7,067,770-7,067,771, TG duplicated; duplicating any 2 consecutive bases within chr12:7,067,769-7,067,771 gives the same sequence; the c. name uses the placement nearest the transcript's 3' end. VCF-style (leftmost placement, unchanged base first): chr12-7067768-G-GGT. GRCh37 (hg19) VCF-style: chr12-7175072-G-GGT.
Other names: c.693_694dup, p.Gly232fs (NM_001346850.2); c.1194_1195dup, p.Gly399fs (NM_201442.4); short protein forms G232fs, G399fs.
Identifiers: ClinVar variation 3031661 (VCV003031661.2), dbSNP rs2539603566, ClinGen allele CA2740092324.